The following is an entry in ClinVar:

NM_000138.5(FBN1):c.3368T>A (p.Leu1123Gln)

Gene: FBN1 (fibrillin 1; minus strand). Cytogenetic location: 15q21.1.
Variant type: single nucleotide variant.
Coding change: c.3368T>A on transcript NM_000138.5 (MANE Select); coding-DNA position 3368, T replaced by A.
Protein change: p.Leu1123Gln; replaces leucine 1123 with glutamine.
Molecular consequence: missense variant.
Genome position (GRCh38, 1-based): chr15:48,487,407, A>T on the plus strand (T>A on the coding strand, the complement: FBN1 is on the minus strand). VCF-style: chr15-48487407-A-T. GRCh37 (hg19) VCF-style: chr15-48779604-A-T.
Other names: short protein forms L1123Q.
Identifiers: ClinVar variation 1171803 (VCV001171803.6), dbSNP rs201336778, ClinGen allele CA269531249.

ClinVar aggregate classification (germline): Uncertain significance. Review status: criteria provided, multiple submitters, no conflicts (2 of 4 stars). 2 submissions from 2 submitters: Uncertain significance (2). Last evaluated 2022-11-27.

Conditions:
Marfan syndrome (MFS). Also called: Marfan syndrome type 1; Marfan's syndrome; Marfan syndrome, classic; MARFAN SYNDROME, TYPE I; FBN1-Related Marfan Syndrome. Identifiers: Orphanet 284963, Orphanet 558, MedGen C0024796, MONDO:0007947, OMIM 154700.
Familial thoracic aortic aneurysm and aortic dissection (TAAD). Also called: Thoracic aortic aneurysms and dissections. Identifiers: Orphanet 91387, MedGen C4707243, MONDO:0019625.

Allele frequency attached by ClinVar (database versions not stated): gnomAD 0.00001; 1000 Genomes Project 30x 0.00016; gnomAD exomes below 0.00001; TOPMed below 0.00001; 1000 Genomes Project 0.00020.

Submissions (2):

All of Us Research Program, National Institutes of Health
Classification: Uncertain significance for Marfan syndrome. Last evaluated: 2022-11-27. Review status: criteria provided, single submitter. Criteria: ACMG Guidelines, 2015. Collection method: clinical testing. Allele origin: germline. Inheritance: Autosomal dominant inheritance. Observed: 1 variant allele, 1 heterozygote.
Comment: This missense variant replaces leucine with glutamine at codon 1123 of the FBN1 protein. Computational prediction suggests that this variant may have deleterious impact on protein structure and function (internally defined REVEL score threshold >= 0.7, PMID: 27666373). To our knowledge, functional studies have not been reported for this variant. This variant has been reported in one individual affected with mild aortic root dilatation and one unaffected individual in the same family (PMID: 11175294). This variant has also been reported in one individual affected with vascular anomalies (PMID: 28655553)This variant has not been identified in the general population by the Genome Aggregation Database (gnomAD). The available evidence is insufficient to determine the role of this variant in disease conclusively. Therefore, this variant is classified as a Variant of Uncertain Significance.

This study involves interpretation of variants in research participants for the purpose of population health screening. Participant phenotype was not available at the time of variant classification. Additional details can be found in publication PMID: 35346344, PMCID: PMC8962531

Color Diagnostics, LLC DBA Color Health
Classification: Uncertain significance for Familial thoracic aortic aneurysm and aortic dissection. Last evaluated: 2022-10-24. Review status: criteria provided, single submitter. Criteria: ACMG Guidelines, 2015. Collection method: clinical testing. Allele origin: germline.
Comment: This missense variant replaces leucine with glutamine at codon 1123 of the FBN1 protein. Computational prediction suggests that this variant may have deleterious impact on protein structure and function (internally defined REVEL score threshold >= 0.7, PMID: 27666373). To our knowledge, functional studies have not been reported for this variant. This variant has been reported in one individual affected with mild aortic root dilatation and one unaffected individual in the same family (PMID: 11175294). This variant has also been reported in one individual affected with vascular anomalies (PMID: 28655553). This variant has not been identified in the general population by the Genome Aggregation Database (gnomAD). The available evidence is insufficient to determine the role of this variant in disease conclusively. Therefore, this variant is classified as a Variant of Uncertain Significance.

Literature cited by the submitters: PubMed 11175294 (cited by All of Us Research Program, National Institutes of Health and Color Diagnostics, LLC DBA Color Health); PubMed 28655553 (cited by All of Us Research Program, National Institutes of Health and Color Diagnostics, LLC DBA Color Health).